The following is an entry in ClinVar:

NM_177438.3(DICER1):c.2031C>T (p.Ala677=)

Gene: DICER1 (dicer 1, ribonuclease III; minus strand). Cytogenetic location: 14q32.13.
Variant type: single nucleotide variant.
Coding change: c.2031C>T on transcript NM_177438.3 (MANE Select); coding-DNA position 2031, C replaced by T.
Protein change: p.Ala677=; no amino-acid change (alanine 677 retained).
Molecular consequence: synonymous variant.
Genome position (GRCh38, 1-based): chr14:95,113,101, G>A on the plus strand (C>T on the coding strand, the complement: DICER1 is on the minus strand). VCF-style: chr14-95113101-G-A. GRCh37 (hg19) VCF-style: chr14-95579438-G-A.
Other names: c.2031C>T, p.Ala677= (NM_001195573.1, NM_001271282.3, NM_001291628.2 and 1 more transcripts); c.2031C>T (NM_177438.2).
Identifiers: ClinVar variation 1103047 (VCV001103047.12), dbSNP rs1892122853, ClinGen allele CA487629902.

ClinVar aggregate classification (germline): Benign/Likely benign. Review status: criteria provided, multiple submitters, no conflicts (2 of 4 stars). 3 submissions from 3 submitters: Benign (1); Likely benign (2). Last evaluated 2026-08-19.

Conditions:
DICER1-related tumor predisposition. Also called: DICER1-related pleuropulmonary blastoma cancer predisposition syndrome; DICER1 syndrome. Identifiers: Orphanet 284343, MedGen C3839822, MONDO:0100216.
Hereditary cancer-predisposing syndrome. Also called: Hereditary Cancer Syndrome; Hereditary neoplastic syndrome; Neoplastic Syndromes, Hereditary; Tumor predisposition. Identifiers: Orphanet 140162, MedGen C0027672, MeSH D009386, MONDO:0015356.

gnomAD v4.1: 3 of 1,613,682 alleles (0.00019%); highest among the groups gnomAD compares: South Asian, 0.0033%; no homozygotes.

Submissions (3):

Myriad Genetics, Inc.
Classification: Benign for DICER1-related tumor predisposition. Last evaluated: 2026-08-19. Review status: criteria provided, single submitter. Criteria: Myriad Autosomal Dominant, Autosomal Recessive and X-Linked Classification Criteria (2023). Collection method: clinical testing. Allele origin: unknown.
Comment: This variant is considered benign. This variant is a silent/synonymous amino acid change and it is not expected to impact splicing.

Labcorp Genetics (formerly Invitae), Labcorp
Classification: Likely benign for DICER1-related tumor predisposition. Last evaluated: 2025-04-17. Review status: criteria provided, single submitter. Criteria: Invitae Variant Classification Sherloc (09022015). Collection method: clinical testing. Allele origin: germline.

Ambry Genetics
Classification: Likely benign for Hereditary cancer-predisposing syndrome. Last evaluated: 2023-04-25. Review status: criteria provided, single submitter. Criteria: Ambry Variant Classification Scheme 2023. Collection method: clinical testing. Allele origin: germline.